The following is an entry in ClinVar:

NM_139321.3(ATRN):c.3455G>A (p.Arg1152Lys)

Gene: ATRN (attractin; plus strand). Cytogenetic location: 20p13.
Variant type: single nucleotide variant.
Coding change: c.3455G>A on transcript NM_139321.3 (MANE Select); coding-DNA position 3455, G replaced by A.
Protein change: p.Arg1152Lys; replaces arginine 1152 with lysine.
Molecular consequence: missense variant.
Genome position (GRCh38, 1-based): chr20:3,596,415, G>A. VCF-style: chr20-3596415-G-A. GRCh37 (hg19) VCF-style: chr20-3577062-G-A.
Other names: c.3107G>A, p.Arg1036Lys (NM_001207047.3); c.3455G>A, p.Arg1152Lys (NM_001323332.2, NM_139322.4); c.3455G>A (NM_139321.2); short protein forms R1036K, R1152K.
Identifiers: ClinVar variation 1167767 (VCV001167767.12), dbSNP rs3886999, ClinGen allele CA9744552.

ClinVar aggregate classification (germline): Benign. Review status: criteria provided, multiple submitters, no conflicts (2 of 4 stars). 3 submissions from 3 submitters: Benign (2). 1 of the submissions does not count toward it. Last evaluated 2026-02-01.

Conditions:
ATRN-related disorder. Also called: ATRN-related condition.

Allele frequency attached by ClinVar (database versions not stated): 1000 Genomes Project 30x 0.01858; 1000 Genomes Project 0.01777; TOPMed 0.03544; gnomAD 0.03784 and 0.03940; ExAC 0.03889; gnomAD exomes 0.03937 and 0.04901; ESP Exome Variant Server 0.04060.
gnomAD v4.1: 77,003 of 1,613,122 alleles (4.8%); highest among the groups gnomAD compares: Non-Finnish European, 5.5%; 2,117 homozygotes.

Submissions (3):

Labcorp Genetics (formerly Invitae), Labcorp
Classification: Benign. Last evaluated: 2026-02-01. Review status: criteria provided, single submitter. Criteria: Invitae Variant Classification Sherloc (09022015). Collection method: clinical testing. Allele origin: germline.

Breakthrough Genomics
Classification: Benign. Review status: criteria provided, single submitter. Criteria: ACMG Guidelines, 2015. Collection method: not provided. Allele origin: germline. Inheritance: Unknown mechanism. Affected: yes.

PreventionGenetics, part of Exact Sciences
Classification: Benign for ATRN-related condition. Last evaluated: 2024-07-29. Review status: no assertion criteria provided. Collection method: clinical testing. Allele origin: germline. Not counted in ClinVar's aggregate classification.
Comment: This variant is classified as benign based on ACMG/AMP sequence variant interpretation guidelines (Richards et al. 2015 PMID: 25741868, with internal and published modifications).